The following is an entry in ClinVar:

NC_000010.10:g.(?_101542602)_(101544558_?)del

Gene: ABCC2 (ATP binding cassette subfamily C member 2; plus strand). Cytogenetic location: 10q24.2.
Variant type: Deletion.
Identifiers: ClinVar variation 3244938 (VCV003244938.1).

ClinVar aggregate classification (germline): Pathogenic (1 of 4 stars; one submission).

Submission:

Labcorp Genetics (formerly Invitae), Labcorp
Classification: Pathogenic. Last evaluated: 2023-07-25. Review status: criteria provided, single submitter. Criteria: Invitae Variant Classification Sherloc (09022015). Collection method: clinical testing. Allele origin: unknown.
Comment: This variant is a gross deletion of the genomic region encompassing exon(s) 1-2 of the ABCC2 gene, which includes the initiator codon. This deletion extends beyond the assayed region for this gene and therefore may encompass additional genes. It is expected to result in an absent or disrupted protein product. Loss-of-function variants in ABCC2 are known to be pathogenic (PMID: 9185779, 16549534, 16952291). This variant has not been reported in the literature in individuals affected with ABCC2-related conditions. For these reasons, this variant has been classified as Pathogenic.

Literature cited by the submitters: PubMed 9185779; PubMed 16549534; PubMed 16952291.